The following is an entry in ClinVar:

ClinVar aggregate classification (germline): Uncertain significance (1 of 4 stars; one submission).

Conditions:
Structural eye disease.

Submission:

Genetics Laboratory, Great Ormond Street Hospital NHS Foundation Trust, North Thames Genomic Laboratory Hub
Classification: Uncertain significance for Structural eye disease. Last evaluated: 2026-01-02. Review status: criteria provided, single submitter. Criteria: ACGS Best Practice Guidelines for Variant Classification in Rare Disease 2024 v1.2. Collection method: clinical testing. Allele origin: germline. Affected: yes.
Comment: PS4_supporting, PM2_moderate, PP1_supporting

NM_001368894.2(PAX6):c.1225+2_1225+3insA

Gene: PAX6 (paired box 6; minus strand). Cytogenetic location: 11p13.
Variant type: Insertion.
Coding change: c.1225+2_1225+3insA on transcript NM_001368894.2 (MANE Select); the canonical splice donor site of the intron after coding-DNA position 1225 through 3 bases into the intron after coding-DNA position 1225, A inserted.
Molecular consequence: splice donor variant. On other transcripts: intron variant (9).
Genome position: GRCh38 VCF-style: chr11-31790707-C-CT. GRCh37 (hg19) VCF-style: chr11-31812255-C-CT.
Other names: c.1183+2_1183+3insA (NM_001127612.3, NM_001368890.2, NM_001368888.2 and 6 more transcripts); c.874-689_874-688insA (NM_001368921.2); c.1024+2_1024+3insA (NM_001368923.2, NM_001368926.2, NM_001368927.2 and 3 more transcripts); c.1225+2_1225+3insA (NM_001258462.3, NM_001310158.2, NM_001258463.2 and 3 more transcripts); c.1300+2_1300+3insA (NM_001368919.2, NM_001368918.2); c.1033-689_1033-688insA (NM_001368915.2, NM_001368917.2, NM_001368916.2); c.1075-689_1075-688insA (NM_001368914.2, NM_001368912.2, NM_001368913.2); c.1426+2_1426+3insA (NM_001368910.2); and 6 more.
Identifiers: ClinVar variation 4812880 (VCV004812880.1).